The following is an entry in ClinVar:

ClinVar aggregate classification (germline): Pathogenic (1 of 4 stars; one submission).

Conditions:
Inborn genetic diseases. Identifiers: MedGen C0950123, MeSH D030342.

Submission:

Ambry Genetics
Classification: Pathogenic for Inborn genetic diseases. Last evaluated: 2025-06-20. Review status: criteria provided, single submitter. Criteria: Ambry Variant Classification Scheme 2023. Collection method: clinical testing. Allele origin: germline.
Comment: The c.1701_1704dupCAGT (p.G569Qfs*19) alteration, located in exon 12 (coding exon 10) of the SRCAP gene, consists of a duplication of CAGT at position 1701, causing a translational frameshift with a predicted alternate stop codon after 19 amino acids. This alteration is expected to result in loss of function by premature protein truncation or nonsense-mediated mRNA decay. for SRCAP-related neurodevelopmental disorder; however, it is unlikely to be causative of Floating-Harbor syndrome. This variant was not reported in population-based cohorts in the Genome Aggregation Database (gnomAD). Based on the available evidence, this alteration is classified as pathogenic.

NM_006662.3(SRCAP):c.1701_1704dup (p.Gly569fs)

Gene: SRCAP (Snf2 related CREBBP activator protein; plus strand). Cytogenetic location: 16p11.2.
Variant type: Duplication.
Coding change: c.1701_1704dup on transcript NM_006662.3 (MANE Select); coding-DNA positions 1701 to 1704, 4 bases duplicated (CAGT; older notation c.1701_1704dupCAGT).
Protein change: p.Gly569fs; shifts the reading frame from glycine 569.
Molecular consequence: frameshift variant.
Genome position (GRCh38, 1-based): chr16:30,712,043-30,712,046, CAGT duplicated. VCF-style (leftmost placement, unchanged base first): chr16-30712042-G-GCAGT. GRCh37 (hg19) VCF-style: chr16-30723363-G-GCAGT.
Other names: short protein forms G569fs.
Identifiers: ClinVar variation 4174646 (VCV004174646.1).
Genomic context (GRCh38, chr16:30,712,042, plus strand): 5'-ATGATTTTGGGGTGGAGTACTTGCTTGCCAGGGATGAAGAGCAGAGTGAGGCAGATGCAG[G>GCAGT]CAGTGGGCCTCCTACTCCAGGGCCCACTACTCTAGGTCCAAAGAAAGAAATTACTGACAT-3'